The following is an entry in ClinVar:

ClinVar aggregate classification (germline): Uncertain significance (1 of 4 stars; one submission).

Conditions:
Epidermolysis bullosa simplex 5B, with muscular dystrophy (EBS5B). Also called: EPIDERMOLYSIS BULLOSA SIMPLEX AND LIMB-GIRDLE MUSCULAR DYSTROPHY; Epidermolysis bullosa simplex with muscular dystrophy. Identifiers: Orphanet 257, MedGen C2931072, MONDO:0009181, OMIM 226670.
Epidermolysis bullosa simplex, Ogna type (EBS5A). Also called: EPIDERMOLYSIS BULLOSA SIMPLEX 5A, OGNA TYPE; Pidermolysis bullosa simplex 5A, Ogna type. Identifiers: Orphanet 79401, MedGen C0432317, MONDO:0007555, OMIM 131950.
Epidermolysis bullosa simplex 5C, with pyloric atresia (EBS5C). Also called: PLEC-Related Epidermolysis Bullosa with Pyloric Atresia; Epidermolysis bullosa simplex with pyloric atresia; PLEC1-Related Epidermolysis Bullosa with Pyloric Atresia. Identifiers: Orphanet 158684, MedGen C2677349, MONDO:0012807, OMIM 612138.
Autosomal recessive limb-girdle muscular dystrophy type 2Q (LGMDR17). Also called: MUSCULAR DYSTROPHY, LIMB-GIRDLE, AUTOSOMAL RECESSIVE 17. Identifiers: Orphanet 254361, MedGen C3150989, MONDO:0013390, OMIM 613723.
Epidermolysis bullosa simplex with nail dystrophy (EBS5D). Identifiers: MedGen C4225309, MONDO:0014661, OMIM 616487.

gnomAD v4.1: 1 of 1,613,018 alleles (0.000062%); highest among the groups gnomAD compares: Admixed American, 0.0017%; no homozygotes.

Submission:

Labcorp Genetics (formerly Invitae), Labcorp
Classification: Uncertain significance for Autosomal recessive limb-girdle muscular dystrophy type 2Q; Epidermolysis bullosa simplex, Ogna type; Epidermolysis bullosa simplex with nail dystrophy; Epidermolysis bullosa simplex 5C, with pyloric atresia; Epidermolysis bullosa simplex 5B, with muscular dystrophy. Last evaluated: 2025-03-05. Review status: criteria provided, single submitter. Criteria: Invitae Variant Classification Sherloc (09022015). Collection method: clinical testing. Allele origin: germline.
Comment: This sequence change replaces alanine, which is neutral and non-polar, with serine, which is neutral and polar, at codon 358 of the PLEC protein (p.Ala358Ser). This variant is present in population databases (rs782338088, gnomAD 0.006%). This variant has not been reported in the literature in individuals affected with PLEC-related conditions. ClinVar contains an entry for this variant (Variation ID: 1984021). Invitae Evidence Modeling of protein sequence and biophysical properties (such as structural, functional, and spatial information, amino acid conservation, physicochemical variation, residue mobility, and thermodynamic stability) indicates that this missense variant is not expected to disrupt PLEC protein function with a negative predictive value of 80%. In summary, the available evidence is currently insufficient to determine the role of this variant in disease. Therefore, it has been classified as a Variant of Uncertain Significance.

NM_201384.3(PLEC):c.991G>T (p.Ala331Ser)

Gene: PLEC (plectin; minus strand). Cytogenetic location: 8q24.3.
Variant type: single nucleotide variant.
Coding change: c.991G>T on transcript NM_201384.3 (MANE Select); coding-DNA position 991, G replaced by T.
Protein change: p.Ala331Ser; replaces alanine 331 with serine.
Molecular consequence: missense variant.
Genome position (GRCh38, 1-based): chr8:143,934,685, C>A on the plus strand (G>T on the coding strand, the complement: PLEC is on the minus strand). VCF-style: chr8-143934685-C-A. GRCh37 (hg19) VCF-style: chr8-145008853-C-A.
Other names: c.1072G>T, p.Ala358Ser (NM_000445.5, NM_001410941.1); c.949G>T, p.Ala317Ser (NM_201378.4); c.925G>T, p.Ala309Ser (NM_201379.3); c.1402G>T, p.Ala468Ser (NM_201380.4); c.895G>T, p.Ala299Ser (NM_201381.3); c.991G>T, p.Ala331Ser (NM_201382.4); c.1003G>T, p.Ala335Ser (NM_201383.3); short protein forms A335S, A309S, A331S, A358S, A299S, A317S, A468S.
Identifiers: ClinVar variation 1984021 (VCV001984021.4), dbSNP rs782338088, ClinGen allele CA4928226.
Genomic context (GRCh38, chr8:143,934,685, plus strand): 5'-TCCCACTCACCTCCAGGGATTGGTAGATGCCCTTGGACCTGTTCTTGTCGGCCTCCTTGG[C>A]TGGTAGCTCCATCTCCTTAAACTTCAGGAACTGAGACCACAGGATCTGCCAGGGACGAGG-3'
Protein context (NP_958786.1, residues 321-341): FLKFKEMELP[Ala331Ser]KEADKNRSKG